The following is an entry in ClinVar:

NM_006245.4(PPP2R5D):c.535C>G (p.Leu179Val)

Gene: PPP2R5D (protein phosphatase 2 regulatory subunit B'delta; plus strand). Cytogenetic location: 6p21.1.
Variant type: single nucleotide variant.
Coding change: c.535C>G on transcript NM_006245.4 (MANE Select); coding-DNA position 535, C replaced by G.
Protein change: p.Leu179Val; replaces leucine 179 with valine.
Molecular consequence: missense variant.
Genome position (GRCh38, 1-based): chr6:43,007,208, C>G. VCF-style: chr6-43007208-C-G. GRCh37 (hg19) VCF-style: chr6-42974946-C-G.
Other names: c.82C>G, p.Leu28Val (NM_001270476.2); c.439C>G, p.Leu147Val (NM_180976.3); c.217C>G, p.Leu73Val (NM_180977.3); short protein forms L147V, L179V, L28V, L73V.
Identifiers: ClinVar variation 4855815 (VCV004855815.1).

ClinVar aggregate classification (germline): Uncertain significance (1 of 4 stars; one submission).

Conditions:
Houge-Janssens syndrome 1. Also called: Intellectual disability-macrocephaly-hypotonia-behavioral abnormalities syndrome; INTELLECTUAL DEVELOPMENTAL DISORDER, AUTOSOMAL DOMINANT 35; PPP2R5D-Related Neurodevelopmental Disorder; Hogue-Janssens syndrome 1. Identifiers: Orphanet 457279, MedGen C5779996, MONDO:0014602, OMIM 616355.

Submission:

3billion
Classification: Uncertain significance for Houge-Janssens syndrome 1. Last evaluated: 2025-07-21. Review status: criteria provided, single submitter. Criteria: ACMG Guidelines, 2015. Collection method: clinical testing. Allele origin: germline. Affected: yes.
Comment: The variant is not observed in the gnomAD v4.1.0 dataset. Predicted Consequence/Location: Missense variant. Missense changes are a common disease-causing mechanism. Damaging effect on gene or gene product predicted by in silico programs is uncertain [3Cnet: 0.72 (damaging >0.75, benign <0.1)]. Therefore, this variant is classified as VUS according to the recommendation of ACMG/AMP guideline.